The following is an entry in ClinVar:

ClinVar aggregate classification (germline): Uncertain significance (1 of 4 stars; one submission).

Allele frequency attached by ClinVar (database versions not stated): gnomAD exomes 0.00001.
gnomAD v4.1: 8 of 1,613,998 alleles (0.0005%); highest among the groups gnomAD compares: Non-Finnish European, 0.00068%; no homozygotes.

Submission:

Labcorp Genetics (formerly Invitae), Labcorp
Classification: Uncertain significance. Last evaluated: 2022-04-01. Review status: criteria provided, single submitter. Criteria: Invitae Variant Classification Sherloc (09022015). Collection method: clinical testing. Allele origin: germline.
Comment: In summary, the available evidence is currently insufficient to determine the role of this variant in disease. Therefore, it has been classified as a Variant of Uncertain Significance. Algorithms developed to predict the effect of missense changes on protein structure and function are either unavailable or do not agree on the potential impact of this missense change (SIFT: "Not Available"; PolyPhen-2: "Probably Damaging"; Align-GVGD: "Not Available"). This variant has not been reported in the literature in individuals affected with LCT-related conditions. This variant is not present in population databases (gnomAD no frequency). This sequence change replaces arginine, which is basic and polar, with cysteine, which is neutral and slightly polar, at codon 799 of the LCT protein (p.Arg799Cys).

NM_002299.4(LCT):c.2395C>T (p.Arg799Cys)

Gene: LCT (lactase; minus strand). Cytogenetic location: 2q21.3.
Variant type: single nucleotide variant.
Coding change: c.2395C>T on transcript NM_002299.4 (MANE Select); coding-DNA position 2395, C replaced by T.
Protein change: p.Arg799Cys; replaces arginine 799 with cysteine.
Molecular consequence: missense variant.
Genome position (GRCh38, 1-based): chr2:135,809,952, G>A on the plus strand (C>T on the coding strand, the complement: LCT is on the minus strand). VCF-style: chr2-135809952-G-A. GRCh37 (hg19) VCF-style: chr2-136567522-G-A.
Other names: short protein forms R799C.
Identifiers: ClinVar variation 1966967 (VCV001966967.5), dbSNP rs2077720972, ClinGen allele CA348603146.